The following is an entry in ClinVar:

ClinVar aggregate classification (germline): Uncertain significance (1 of 4 stars; one submission).

Conditions:
Aortic aneurysm, familial thoracic 7 (AAT7). Also called: AORTIC DISSECTION, FAMILIAL, WITH OR WITHOUT AORTIC ANEURYSM. Identifiers: MedGen C3151077, MONDO:0013418, OMIM 613780.

Submission:

Labcorp Genetics (formerly Invitae), Labcorp
Classification: Uncertain significance for Aortic aneurysm, familial thoracic 7. Last evaluated: 2023-05-25. Review status: criteria provided, single submitter. Criteria: Invitae Variant Classification Sherloc (09022015). Collection method: clinical testing. Allele origin: germline.
Comment: In summary, the available evidence is currently insufficient to determine the role of this variant in disease. Therefore, it has been classified as a Variant of Uncertain Significance. This variant disrupts the p.Val192 amino acid residue in MYLK. Other variant(s) that disrupt this residue have been observed in individuals with MYLK-related conditions (PMID: 29907982; Invitae), which suggests that this may be a clinically significant amino acid residue. Advanced modeling of protein sequence and biophysical properties (such as structural, functional, and spatial information, amino acid conservation, physicochemical variation, residue mobility, and thermodynamic stability) performed at Invitae indicates that this missense variant is not expected to disrupt MYLK protein function. This missense change has been observed in individual(s) with clinical features of MYLK-related conditions (Invitae). This variant is not present in population databases (gnomAD no frequency). This sequence change replaces valine, which is neutral and non-polar, with isoleucine, which is neutral and non-polar, at codon 192 of the MYLK protein (p.Val192Ile).

Literature cited by the submitters: PubMed 29907982.

NM_053025.4(MYLK):c.574G>A (p.Val192Ile)

Gene: MYLK (myosin light chain kinase; minus strand). Cytogenetic location: 3q21.1.
Variant type: single nucleotide variant.
Coding change: c.574G>A on transcript NM_053025.4 (MANE Select); coding-DNA position 574, G replaced by A.
Protein change: p.Val192Ile; replaces valine 192 with isoleucine.
Molecular consequence: missense variant.
Genome position (GRCh38, 1-based): chr3:123,738,911, C>T on the plus strand (G>A on the coding strand, the complement: MYLK is on the minus strand). VCF-style: chr3-123738911-C-T. GRCh37 (hg19) VCF-style: chr3-123457758-C-T.
Other names: c.46G>A, p.Val16Ile (NM_001321309.2); c.574G>A, p.Val192Ile (NM_053026.4, NM_053027.4, NM_053028.4); short protein forms V192I, V16I.
Identifiers: ClinVar variation 3023782 (VCV003023782.3), dbSNP rs2474622509, ClinGen allele CA354241586.